The following is an entry in ClinVar:

ClinVar aggregate classification (germline): Pathogenic. Review status: reviewed by expert panel (3 of 4 stars). 3 submissions from 3 submitters: Pathogenic (1). 2 of the submissions do not count toward it. Last evaluated 2016-09-08.

Conditions:
Breast-ovarian cancer, familial, susceptibility to, 1 (BROVCA1). Also called: BRCA1 Hereditary Breast and Ovarian Cancer; OVARIAN CANCER, SUSCEPTIBILITY TO. Identifiers: Orphanet 145, MedGen C2676676, MONDO:0011450, OMIM 604370. Disease mechanism: loss of function.

Submissions (3):

Evidence-based Network for the Interpretation of Germline Mutant Alleles (ENIGMA)
Classification: Pathogenic for Breast-ovarian cancer, familial, susceptibility to, 1. Last evaluated: 2016-09-08. Review status: reviewed by expert panel. Criteria: ENIGMA BRCA1/2 Classification Criteria (2015). Collection method: curation. Allele origin: germline.
Comment: Variant allele predicted to encode a truncated non-functional protein.

Breast Cancer Information Core (BIC) (BRCA1)
Classification: Pathogenic for Breast-ovarian cancer, familial 1. Last evaluated: 2002-05-29. Review status: no assertion criteria provided. Collection method: clinical testing. Allele origin: germline. Affected: yes. Observed: 1 variant allele. Not counted in ClinVar's aggregate classification.

Department of Pathology and Laboratory Medicine, Sinai Health System
Classification: Uncertain significance. Review status: no assertion criteria provided. Collection method: clinical testing. Allele origin: unknown. Affected: yes. Observed: 1 variant allele. Study: The Canadian Open Genetics Repository (COGR). Not counted in ClinVar's aggregate classification.

NM_007294.4(BRCA1):c.5156_5157del (p.Val1719fs)

Gene: BRCA1 (BRCA1 DNA repair associated; minus strand). Cytogenetic location: 17q21.31.
Variant type: Deletion.
Coding change: c.5156_5157del on transcript NM_007294.4 (MANE Select); coding-DNA positions 5156 to 5157, 2 bases deleted (TG; older notation c.5156_5157delTG).
Protein change: p.Val1719fs; shifts the reading frame from valine 1719.
Molecular consequence: frameshift variant. On other transcripts: non-coding transcript variant (1).
Genome position (GRCh38, 1-based): chr17:43,063,369-43,063,370, CA deleted on the plus strand (TG on the coding strand, the reverse complement: BRCA1 is on the minus strand); deleting any 2 consecutive bases within chr17:43,063,369-43,063,371 gives the same sequence; the c. name uses the placement nearest the transcript's 3' end. VCF-style (leftmost placement, unchanged base first): chr17-43063368-TCA-T. GRCh37 (hg19) VCF-style: chr17-41215385-TCA-T.
Other names: 5275delTG; c.5156_5157delTG (NM_007294.3); c.4888_4889delGT, p.Val1630Aspfs (NM_001407933.1, NM_001407927.1, NM_001407928.1 and 4 more transcripts); c.4885_4886delGT, p.Val1629Aspfs (NM_001407934.1, NM_001407935.1, NM_001407936.1); c.5032_5033delGT, p.Val1678Aspfs (NM_001407937.1, NM_001407938.1, NM_001407664.1 and 6 more transcripts); c.5029_5030delGT, p.Val1677Aspfs (NM_001407939.1, NM_001407940.1, NM_001407670.1 and 10 more transcripts); c.5026_5027delGT, p.Val1676Aspfs (NM_001407941.1, NM_001407681.1, NM_001407682.1 and 6 more transcripts); c.5014_5015delGT, p.Val1672Aspfs (NM_001407942.1, NM_001407692.1, NM_001407694.1 and 12 more transcripts); and 77 more; short protein forms V615fs, V1672fs, V1719fs, V1740fs.
Identifiers: ClinVar variation 55437 (VCV000055437.4), dbSNP rs80357895, ClinGen allele CA003309.
Genomic context (GRCh38, chr17:43,063,368, plus strand): 5'-TTAGTTTGTAACATCAAGTACTTACCTCATTCAGCATTTTTCTTTCTTTAATAGACTGGG[TCA>T]CCCCTAAAGAGATCATAGAAAAGACAGGTTACATACAGCAGAAGAACGTGCTCTTTTCAC-3'